The following is an entry in ClinVar:

ClinVar aggregate classification (germline): Uncertain significance. Review status: criteria provided, multiple submitters, no conflicts (2 of 4 stars). 2 submissions from 2 submitters: Uncertain significance (2). Last evaluated 2025-06-16.

Conditions:
GP1BA-related disorder. Also called: GP1BA-related condition.

Submissions (2):

PreventionGenetics, part of Exact Sciences
Classification: Uncertain significance for GP1BA-related condition. Last evaluated: 2025-06-16. Review status: criteria provided, single submitter. Criteria: ACMG Guidelines, 2015. Collection method: clinical testing. Allele origin: germline.
Comment: The GP1BA c.272C>T variant is predicted to result in the amino acid substitution p.Thr91Met. To our knowledge, this variant has not been reported in the literature. This variant is reported in 0.0065% of alleles in individuals of South Asian descent in gnomAD. At this time, the clinical significance of this variant is uncertain due to the absence of conclusive functional and genetic evidence.

Center for Genomic Medicine, Rigshospitalet, Copenhagen University Hospital
Classification: Uncertain significance. Last evaluated: 2025-03-04. Review status: criteria provided, single submitter. Criteria: ACMG Guidelines, 2015. Collection method: clinical testing. Allele origin: germline.

NM_000173.7(GP1BA):c.272C>T (p.Thr91Met)

Gene: GP1BA (glycoprotein Ib platelet subunit alpha; plus strand). Cytogenetic location: 17p13.2.
Variant type: single nucleotide variant.
Coding change: c.272C>T on transcript NM_000173.7 (MANE Select); coding-DNA position 272, C replaced by T.
Protein change: p.Thr91Met; replaces threonine 91 with methionine.
Molecular consequence: missense variant.
Genome position (GRCh38, 1-based): chr17:4,932,876, C>T. VCF-style: chr17-4932876-C-T. GRCh37 (hg19) VCF-style: chr17-4836171-C-T.
Other names: c.272C>T (NM_000173.6); short protein forms T91M.
Identifiers: ClinVar variation 3765165 (VCV003765165.2).